The following is an entry in ClinVar:

ClinVar aggregate classification (germline): Likely benign (1 of 4 stars; one submission).

Allele frequency attached by ClinVar (database versions not stated): 1000 Genomes Project 0.00679; 1000 Genomes Project 30x 0.00703; gnomAD 0.00960; TOPMed 0.01027; gnomAD exomes 0.01507.
gnomAD v4.1: 19,203 of 1,333,962 alleles (1.4%); highest among the groups gnomAD compares: Non-Finnish European, 1.8%; 199 homozygotes.

Submission:

GeneDx
Classification: Likely benign. Last evaluated: 2021-05-19. Review status: criteria provided, single submitter. Criteria: GeneDx Variant Classification Process June 2021. Collection method: clinical testing. Allele origin: germline. Affected: yes.
Comment: See Variant Classification Assertion Criteria.

NM_002863.5(PYGL):c.2313-72A>G

Gene: PYGL (glycogen phosphorylase L; minus strand). Cytogenetic location: 14q22.1.
Variant type: single nucleotide variant.
Coding change: c.2313-72A>G on transcript NM_002863.5 (MANE Select); 72 bases into the intron before coding-DNA position 2313, A replaced by G.
Molecular consequence: intron variant.
Genome position (GRCh38, 1-based): chr14:50,908,409, T>C on the plus strand (A>G on the coding strand, the complement: PYGL is on the minus strand). VCF-style: chr14-50908409-T-C. GRCh37 (hg19) VCF-style: chr14-51375127-T-C.
Other names: c.2211-72A>G (NM_001163940.2).
Identifiers: ClinVar variation 1707226 (VCV001707226.2), dbSNP rs76731344, ClinGen allele CA260820494.